The following is an entry in ClinVar:

ClinVar aggregate classification (germline): Conflicting classifications of pathogenicity. Review status: criteria provided, conflicting classifications (1 of 4 stars). 3 submissions from 3 submitters: Uncertain significance (1); Benign (1); Likely benign (1). Last evaluated 2025-12-16.

Allele frequency attached by ClinVar (database versions not stated): gnomAD exomes 0.00002 and 0.00004; ExAC 0.00006; gnomAD 0.00007; TOPMed 0.00016; ESP Exome Variant Server 0.00023; 1000 Genomes Project 30x 0.00031; 1000 Genomes Project 0.00040.
gnomAD v4.1: 36 of 1,609,990 alleles (0.0022%); highest among the groups gnomAD compares: African/African-American, 0.019%; no homozygotes.

Submissions (3):

Labcorp Genetics (formerly Invitae), Labcorp
Classification: Benign. Last evaluated: 2025-12-16. Review status: criteria provided, single submitter. Criteria: Invitae Variant Classification Sherloc (09022015). Collection method: clinical testing. Allele origin: germline.

GeneDx
Classification: Uncertain significance. Last evaluated: 2025-06-06. Review status: criteria provided, single submitter. Criteria: GeneDx Variant Classification Process June 2021. Collection method: clinical testing. Allele origin: germline. Affected: yes.
Comment: In silico analysis suggests that this missense variant does not alter protein structure/function; Has not been previously published as pathogenic or benign to our knowledge

Women's Health and Genetics/Laboratory Corporation of America, LabCorp
Classification: Likely benign. Last evaluated: 2024-11-22. Review status: criteria provided, single submitter. Criteria: LabCorp Variant Classification Summary - May 2015. Collection method: clinical testing. Allele origin: germline.
Comment: Variant summary: COL11A1 c.1853G>A (p.Arg618Gln) results in a conservative amino acid change in the encoded protein sequence. Five of five in-silico tools predict a benign effect of the variant on protein function. The variant allele was found at a frequency of 2.2e-05 in 1604120 control chromosomes, predominantly at a frequency of 0.00019 within the African or African-American subpopulation in the gnomAD database (v4.1 dataset). The occurrence in several carriers suggests that the variant is not causal for a dominant, high penetrance, early onset disease. To our knowledge, no occurrence of c.1853G>A in individuals affected with Stickler Syndrome and no experimental evidence demonstrating its impact on protein function have been reported. ClinVar contains an entry for this variant (Variation ID: 1006551). Based on the evidence outlined above, the variant was classified as likely benign.

NM_001854.4(COL11A1):c.1853G>A (p.Arg618Gln)

Gene: COL11A1 (collagen type XI alpha 1 chain; minus strand). Cytogenetic location: 1p21.1.
Variant type: single nucleotide variant.
Coding change: c.1853G>A on transcript NM_001854.4 (MANE Select); coding-DNA position 1853, G replaced by A.
Protein change: p.Arg618Gln; replaces arginine 618 with glutamine.
Molecular consequence: missense variant. On other transcripts: non-coding transcript variant (1).
Genome position (GRCh38, 1-based): chr1:103,004,654, C>T on the plus strand (G>A on the coding strand, the complement: COL11A1 is on the minus strand). VCF-style: chr1-103004654-C-T. GRCh37 (hg19) VCF-style: chr1-103470210-C-T.
Other names: c.1736G>A, p.Arg579Gln (NM_001190709.2); c.1889G>A, p.Arg630Gln (NM_080629.3); c.1505G>A, p.Arg502Gln (NM_080630.4); short protein forms R502Q, R579Q, R618Q, R630Q.
Identifiers: ClinVar variation 1006551 (VCV001006551.12), dbSNP rs192313594, ClinGen allele CA974774.